The following is an entry in ClinVar:

ClinVar aggregate classification (germline): Uncertain significance. Review status: criteria provided, multiple submitters, no conflicts (2 of 4 stars). 2 submissions from 2 submitters: Uncertain significance (2). Last evaluated 2024-10-02.

Conditions:
Hereditary cancer-predisposing syndrome. Also called: Tumor predisposition; Hereditary Cancer Syndrome; Neoplastic Syndromes, Hereditary; Hereditary neoplastic syndrome. Identifiers: Orphanet 140162, MedGen C0027672, MeSH D009386, MONDO:0015356.
Carney complex, type 1 (CNC1). Also called: CARNEY MYXOMA-ENDOCRINE COMPLEX; CARNEY COMPLEX, TYPE I. Identifiers: Orphanet 1359, MedGen C2607929, MONDO:0008057, OMIM 160980.

Allele frequency attached by ClinVar (database versions not stated): gnomAD exomes below 0.00001.
gnomAD v4.1: 1 of 1,614,096 alleles (0.000062%); highest among the groups gnomAD compares: Non-Finnish European, 0.000085%; no homozygotes.

Submissions (2):

Labcorp Genetics (formerly Invitae), Labcorp
Classification: Uncertain significance for Carney complex, type 1. Last evaluated: 2024-10-02. Review status: criteria provided, single submitter. Criteria: Invitae Variant Classification Sherloc (09022015). Collection method: clinical testing. Allele origin: germline.
Comment: This sequence change replaces valine, which is neutral and non-polar, with phenylalanine, which is neutral and non-polar, at codon 313 of the PRKAR1A protein (p.Val313Phe). This variant is not present in population databases (gnomAD no frequency). This variant has not been reported in the literature in individuals affected with PRKAR1A-related conditions. ClinVar contains an entry for this variant (Variation ID: 823203). Invitae Evidence Modeling of protein sequence and biophysical properties (such as structural, functional, and spatial information, amino acid conservation, physicochemical variation, residue mobility, and thermodynamic stability) indicates that this missense variant is not expected to disrupt PRKAR1A protein function with a negative predictive value of 80%. In summary, the available evidence is currently insufficient to determine the role of this variant in disease. Therefore, it has been classified as a Variant of Uncertain Significance.

Ambry Genetics
Classification: Uncertain significance for Hereditary cancer-predisposing syndrome. Last evaluated: 2019-03-19. Review status: criteria provided, single submitter. Criteria: Ambry Variant Classification Scheme 2023. Collection method: clinical testing. Allele origin: germline.
Comment: The p.V313F variant (also known as c.937G>T), located in coding exon 9 of the PRKAR1A gene, results from a G to T substitution at nucleotide position 937. The valine at codon 313 is replaced by phenylalanine, an amino acid with highly similar properties. This amino acid position is highly conserved in available vertebrate species. In addition, this alteration is predicted to be deleterious by in silico analysis. Since supporting evidence is limited at this time, the clinical significance of this alteration remains unclear.

NM_002734.5(PRKAR1A):c.937G>T (p.Val313Phe)

Gene: PRKAR1A (protein kinase cAMP-dependent type I regulatory subunit alpha; plus strand). Cytogenetic location: 17q24.2.
Variant type: single nucleotide variant.
Coding change: c.937G>T on transcript NM_002734.5 (MANE Select); coding-DNA position 937, G replaced by T.
Protein change: p.Val313Phe; replaces valine 313 with phenylalanine.
Molecular consequence: missense variant.
Genome position (GRCh38, 1-based): chr17:68,529,965, G>T. VCF-style: chr17-68529965-G-T. GRCh37 (hg19) VCF-style: chr17-66526106-G-T.
Other names: c.937G>T, p.Val313Phe (NM_001276289.2, NM_001276290.1, NM_001278433.2 and 4 more transcripts); short protein forms V313F.
Identifiers: ClinVar variation 823203 (VCV000823203.7), dbSNP rs1600494933, ClinGen allele CA400754201.